The following is an entry in ClinVar:

ClinVar aggregate classification (germline): Uncertain significance. Review status: criteria provided, single submitter (1 of 4 stars). 2 submissions from 2 submitters: Uncertain significance (1). 1 of the submissions does not count toward it. Last evaluated 2025-12-02.

Conditions:
FBN3-related disorder. Also called: FBN3-related condition.

Allele frequency attached by ClinVar (database versions not stated): gnomAD exomes 0.00013 and 0.00018; ExAC 0.00021; ESP Exome Variant Server 0.00062; gnomAD 0.00070 and 0.00072; TOPMed 0.00070; 1000 Genomes Project 0.00080; 1000 Genomes Project 30x 0.00109.
gnomAD v4.1: 307 of 1,613,628 alleles (0.019%); highest among the groups gnomAD compares: African/African-American, 0.19%; no homozygotes.

Submissions (2):

Labcorp Genetics (formerly Invitae), Labcorp
Classification: Uncertain significance. Last evaluated: 2025-12-02. Review status: criteria provided, single submitter. Criteria: Invitae Variant Classification Sherloc (09022015). Collection method: clinical testing. Allele origin: germline.
Comment: This sequence change replaces arginine, which is basic and polar, with tryptophan, which is neutral and slightly polar, at codon 1853 of the FBN3 protein (p.Arg1853Trp). This variant is present in population databases (rs146543008, gnomAD 0.2%), and has an allele count higher than expected for a pathogenic variant. This variant has not been reported in the literature in individuals affected with FBN3-related conditions. ClinVar contains an entry for this variant (Variation ID: 1429311). An algorithm developed to predict the effect of missense changes on protein structure and function outputs the following: PolyPhen-2: "Benign". The tryptophan amino acid residue is found in multiple mammalian species, which suggests that this missense change does not adversely affect protein function. In summary, the available evidence is currently insufficient to determine the role of this variant in disease. Therefore, it has been classified as a Variant of Uncertain Significance.

PreventionGenetics, part of Exact Sciences
Classification: Likely benign for FBN3-related condition. Last evaluated: 2023-02-13. Review status: no assertion criteria provided. Collection method: clinical testing. Allele origin: germline. Not counted in ClinVar's aggregate classification.
Comment: This variant is classified as likely benign based on ACMG/AMP sequence variant interpretation guidelines (Richards et al. 2015 PMID: 25741868, with internal and published modifications).

NM_032447.5(FBN3):c.5557C>T (p.Arg1853Trp)

Gene: FBN3 (fibrillin 3; minus strand). Cytogenetic location: 19p13.2.
Variant type: single nucleotide variant.
Coding change: c.5557C>T on transcript NM_032447.5 (MANE Select); coding-DNA position 5557, C replaced by T.
Protein change: p.Arg1853Trp; replaces arginine 1853 with tryptophan.
Molecular consequence: missense variant.
Genome position (GRCh38, 1-based): chr19:8,096,063, G>A on the plus strand (C>T on the coding strand, the complement: FBN3 is on the minus strand). VCF-style: chr19-8096063-G-A. GRCh37 (hg19) VCF-style: chr19-8160947-G-A.
Other names: c.5557C>T (NM_001321431.1); c.5557C>T, p.Arg1853Trp (NM_001321431.2); short protein forms R1853W.
Identifiers: ClinVar variation 1429311 (VCV001429311.8), dbSNP rs146543008, ClinGen allele CA9151609.